The following is an entry in ClinVar:

ClinVar aggregate classification (germline): Uncertain significance (1 of 4 stars; one submission).

Submission:

Labcorp Genetics (formerly Invitae), Labcorp
Classification: Uncertain significance. Last evaluated: 2024-11-30. Review status: criteria provided, single submitter. Criteria: Invitae Variant Classification Sherloc (09022015). Collection method: clinical testing. Allele origin: germline.
Comment: This sequence change replaces phenylalanine, which is neutral and non-polar, with leucine, which is neutral and non-polar, at codon 139 of the PSMG2 protein (p.Phe139Leu). This variant is not present in population databases (gnomAD no frequency). This variant has not been reported in the literature in individuals affected with PSMG2-related conditions. ClinVar contains an entry for this variant (Variation ID: 2124099). An algorithm developed to predict the effect of missense changes on protein structure and function (PolyPhen-2) suggests that this variant is likely to be tolerated. In summary, the available evidence is currently insufficient to determine the role of this variant in disease. Therefore, it has been classified as a Variant of Uncertain Significance.

NM_020232.5(PSMG2):c.415T>C (p.Phe139Leu)

Gene: PSMG2 (proteasome assembly chaperone 2; plus strand). Cytogenetic location: 18p11.21.
Variant type: single nucleotide variant.
Coding change: c.415T>C on transcript NM_020232.5 (MANE Select); coding-DNA position 415, T replaced by C.
Protein change: p.Phe139Leu; replaces phenylalanine 139 with leucine.
Molecular consequence: missense variant.
Genome position (GRCh38, 1-based): chr18:12,720,517, T>C. VCF-style: chr18-12720517-T-C. GRCh37 (hg19) VCF-style: chr18-12720516-T-C.
Other names: c.322T>C, p.Phe108Leu (NM_147163.2); short protein forms F108L, F139L.
Identifiers: ClinVar variation 2124099 (VCV002124099.4), dbSNP rs2510996454, ClinGen allele CA401968065.